The following is an entry in ClinVar:

ClinVar aggregate classification (germline): Uncertain significance. Review status: criteria provided, multiple submitters, no conflicts (2 of 4 stars). 2 submissions from 2 submitters: Uncertain significance (2). Last evaluated 2022-04-25.

Conditions:
COG5-congenital disorder of glycosylation. Also called: CDG IIi; CONGENITAL DISORDER OF GLYCOSYLATION, TYPE IIi; COG5-CDG. Identifiers: Orphanet 263487, MedGen C3150876, MONDO:0013325, OMIM 613612.

Allele frequency attached by ClinVar (database versions not stated): gnomAD exomes 0.00002 and 0.00001; ExAC 0.00001.
gnomAD v4.1: 8 of 1,590,344 alleles (0.0005%); highest among the groups gnomAD compares: Admixed American, 0.0067%; no homozygotes.

Submissions (2):

Labcorp Genetics (formerly Invitae), Labcorp
Classification: Uncertain significance for COG5-congenital disorder of glycosylation. Last evaluated: 2022-04-25. Review status: criteria provided, single submitter. Criteria: Invitae Variant Classification Sherloc (09022015). Collection method: clinical testing. Allele origin: germline.
Comment: ClinVar contains an entry for this variant (Variation ID: 193889). In summary, the available evidence is currently insufficient to determine the role of this variant in disease. Therefore, it has been classified as a Variant of Uncertain Significance. Algorithms developed to predict the effect of missense changes on protein structure and function output the following: SIFT: "Tolerated"; PolyPhen-2: "Benign"; Align-GVGD: "Class C0". The valine amino acid residue is found in multiple mammalian species, which suggests that this missense change does not adversely affect protein function. This variant has not been reported in the literature in individuals affected with COG5-related conditions. This variant is present in population databases (rs768962367, gnomAD 0.01%). This sequence change replaces methionine, which is neutral and non-polar, with valine, which is neutral and non-polar, at codon 397 of the COG5 protein (p.Met397Val).

Eurofins Ntd Llc (ga)
Classification: Uncertain significance. Last evaluated: 2014-08-29. Review status: criteria provided, single submitter. Criteria: EGL Classification Definitions 2015. Collection method: clinical testing. Allele origin: germline. Observed: 1 variant allele, 1 heterozygote.

NM_006348.5(COG5):c.1096A>G (p.Met366Val)

Gene: COG5 (component of oligomeric golgi complex 5; minus strand). Cytogenetic location: 7q22.3.
Variant type: single nucleotide variant.
Coding change: c.1096A>G on transcript NM_006348.5 (MANE Select); coding-DNA position 1096, A replaced by G.
Protein change: p.Met366Val; replaces methionine 366 with valine.
Molecular consequence: missense variant. On other transcripts: intron variant (1).
Genome position (GRCh38, 1-based): chr7:107,324,452, T>C on the plus strand (A>G on the coding strand, the complement: COG5 is on the minus strand). VCF-style: chr7-107324452-T-C. GRCh37 (hg19) VCF-style: chr7-106964897-T-C.
Other names: c.1096A>G, p.Met366Val (NM_001161520.2, NM_001379511.1, NM_001379512.1 and 3 more transcripts); c.382A>G, p.Met128Val (NM_001379516.1); c.539-26106A>G (NM_001379515.1); short protein forms M366V, M128V.
Identifiers: ClinVar variation 193889 (VCV000193889.9), dbSNP rs768962367, ClinGen allele CA239589.